The following is an entry in ClinVar:

NM_000414.4(HSD17B4):c.245T>C (p.Val82Ala)

Gene: HSD17B4 (hydroxysteroid 17-beta dehydrogenase 4; plus strand). Cytogenetic location: 5q23.1.
Variant type: single nucleotide variant.
Coding change: c.245T>C on transcript NM_000414.4 (MANE Select); coding-DNA position 245, T replaced by C.
Protein change: p.Val82Ala; replaces valine 82 with alanine.
Molecular consequence: missense variant. On other transcripts: 5 prime UTR variant (6), non-coding transcript variant (2).
Genome position (GRCh38, 1-based): chr5:119,474,425, T>C. VCF-style: chr5-119474425-T-C. GRCh37 (hg19) VCF-style: chr5-118810120-T-C.
Other names: c.320T>C, p.Val107Ala (NM_001199291.3); c.191T>C, p.Val64Ala (NM_001199292.2); c.173T>C, p.Val58Ala (NM_001292027.2); c.-167T>C (NM_001292028.2, NM_001374501.1, NM_001374502.1 and 1 more transcripts); c.245T>C, p.Val82Ala (NM_001374497.1, NM_001374498.1); c.-36T>C (NM_001374499.1); c.-294T>C (NM_001374500.1); short protein forms V107A, V58A, V82A, V64A.
Identifiers: ClinVar variation 1975580 (VCV001975580.5), dbSNP rs1430638401, ClinGen allele CA360864593.
Genomic context (GRCh38, chr5:119,474,425, plus strand): 5'-TTGCCGAAATTTCATACAAATTTTCCTTTCCCTCAGATTCAGTGGAAGAAGGAGAGAAGG[T>C]TGTGAAGACAGCCCTGGATGCTTTTGGAAGAATAGGTGATGTTTCTTTGTGTTATGGCTC-3'
Protein context (NP_000405.1, residues 72-92): NYDSVEEGEK[Val82Ala]VKTALDAFGR

ClinVar aggregate classification (germline): Uncertain significance (1 of 4 stars; one submission).

Conditions:
Perrault syndrome. Also called: Gonadal dysgenesis with auditory dysfunction, autosomal recessive inheritance. Identifiers: Orphanet 2855, MedGen C0685838, MONDO:0017312.
Bifunctional peroxisomal enzyme deficiency (DBIF). Also called: PBFE DEFICIENCY; D-bifunctional protein deficiency; DBP DEFICIENCY. Identifiers: Orphanet 300, MedGen C0342870, MONDO:0009855, OMIM 261515. Disease mechanism: loss of function.

Allele frequency attached by ClinVar (database versions not stated): gnomAD exomes below 0.00001.

Submission:

Labcorp Genetics (formerly Invitae), Labcorp
Classification: Uncertain significance for Perrault syndrome; Bifunctional peroxisomal enzyme deficiency. Last evaluated: 2022-07-06. Review status: criteria provided, single submitter. Criteria: Invitae Variant Classification Sherloc (09022015). Collection method: clinical testing. Allele origin: germline.
Comment: This sequence change replaces valine, which is neutral and non-polar, with alanine, which is neutral and non-polar, at codon 82 of the HSD17B4 protein (p.Val82Ala). This variant is present in population databases (no rsID available, gnomAD 0.0009%). Advanced modeling of protein sequence and biophysical properties (such as structural, functional, and spatial information, amino acid conservation, physicochemical variation, residue mobility, and thermodynamic stability) performed at Invitae indicates that this missense variant is not expected to disrupt HSD17B4 protein function. In summary, the available evidence is currently insufficient to determine the role of this variant in disease. Therefore, it has been classified as a Variant of Uncertain Significance. This variant has not been reported in the literature in individuals affected with HSD17B4-related conditions.